The following is an entry in ClinVar:

ClinVar aggregate classification (germline): Benign (1 of 4 stars; one submission).

Conditions:
Spinocerebellar ataxia type 23 (SCA23). Identifiers: Orphanet 101108, MedGen C1853250, MONDO:0012449, OMIM 610245.

Allele frequency attached by ClinVar (database versions not stated): gnomAD 0.00006; TOPMed 0.00007; 1000 Genomes Project 30x 0.00031; 1000 Genomes Project 0.00040.
gnomAD v4.1: 9 of 152,186 alleles (0.0059%); highest among the groups gnomAD compares: African/African-American, 0.019%; no homozygotes.

Submission:

Illumina Laboratory Services, Illumina
Classification: Benign for Spinocerebellar ataxia type 23. Last evaluated: 2018-01-13. Review status: criteria provided, single submitter. Criteria: ICSL Variant Classification Criteria 13 December 2019. Collection method: clinical testing. Allele origin: germline.
Comment: This variant was observed in the ICSL laboratory as part of a predisposition screen in an ostensibly healthy population. It had not been previously curated by ICSL or reported in the Human Gene Mutation Database (HGMD: prior to June 1st, 2018), and was therefore a candidate for classification through an automated scoring system. Utilizing variant allele frequency, disease prevalence and penetrance estimates, and inheritance mode, an automated score was calculated to assess if this variant is too frequent to cause the disease. Based on the score and internal cut-off values, a variant classified as benign is not then subjected to further curation. The score for this variant resulted in a classification of benign for this disease.

NM_024411.5(PDYN):c.*1457C>G

Genes: PDYN (prodynorphin; minus strand), PDYN-AS1 (PDYN antisense RNA 1; plus strand). Cytogenetic location: 20p13.
Variant type: single nucleotide variant.
Coding change: c.*1457C>G on transcript NM_024411.5 (MANE Select); 1457 bases downstream of the stop codon, C replaced by G.
Molecular consequence: 3 prime UTR variant.
Genome position (GRCh38, 1-based): chr20:1,978,866, G>C on the plus strand (C>G on the coding strand, the complement: PDYN is on the minus strand). VCF-style: chr20-1978866-G-C. GRCh37 (hg19) VCF-style: chr20-1959512-G-C.
Other names: c.*1457C>G (NM_001190892.1, NM_001190898.3, NM_001190899.2 and 1 more transcripts).
Identifiers: ClinVar variation 894978 (VCV000894978.4), dbSNP rs529380614, ClinGen allele CA310824362.